The following is an entry in ClinVar:

NM_004369.4(COL6A3):c.8075A>G (p.Tyr2692Cys)

Gene: COL6A3 (collagen type VI alpha 3 chain; minus strand). Cytogenetic location: 2q37.3.
Variant type: single nucleotide variant.
Coding change: c.8075A>G on transcript NM_004369.4 (MANE Select); coding-DNA position 8075, A replaced by G.
Protein change: p.Tyr2692Cys; replaces tyrosine 2692 with cysteine.
Molecular consequence: missense variant.
Genome position (GRCh38, 1-based): chr2:237,340,841, T>C on the plus strand (A>G on the coding strand, the complement: COL6A3 is on the minus strand). VCF-style: chr2-237340841-T-C. GRCh37 (hg19) VCF-style: chr2-238249484-T-C.
Other names: c.6254A>G, p.Tyr2085Cys (NM_057166.5); c.7457A>G, p.Tyr2486Cys (NM_057167.4); short protein forms Y2486C, Y2085C, Y2692C.
Identifiers: ClinVar variation 1939978 (VCV001939978.7), dbSNP rs371571488, ClinGen allele CA2187634.

ClinVar aggregate classification (germline): Conflicting classifications of pathogenicity. Review status: criteria provided, conflicting classifications (1 of 4 stars). 3 submissions from 3 submitters: Uncertain significance (2); Benign (1). Last evaluated 2024-12-10.

Conditions:
Bethlem myopathy 1A. Also called: MYOPATHY, BENIGN CONGENITAL, WITH CONTRACTURES; Bethlem myopathy 1; Bethlem Muscular Dystrophy. Identifiers: Orphanet 610, MedGen CN029274, MONDO:0024530, OMIM 158810.
Inborn genetic diseases. Identifiers: MedGen C0950123, MeSH D030342.

Allele frequency attached by ClinVar (database versions not stated): gnomAD exomes 0.00002; ExAC 0.00003; ESP Exome Variant Server 0.00008; gnomAD 0.00010; TOPMed 0.00011.
gnomAD v4.1: 50 of 1,614,046 alleles (0.0031%); highest among the groups gnomAD compares: Middle Eastern, 0.033%; no homozygotes.

Submissions (3):

GeneDx
Classification: Uncertain significance. Last evaluated: 2024-12-10. Review status: criteria provided, single submitter. Criteria: GeneDx Variant Classification Process June 2021. Collection method: clinical testing. Allele origin: germline. Affected: yes.
Comment: In silico analysis supports that this missense variant has a deleterious effect on protein structure/function; Has not been previously published as pathogenic or benign to our knowledge

Labcorp Genetics (formerly Invitae), Labcorp
Classification: Benign for Bethlem myopathy 1A. Last evaluated: 2024-08-02. Review status: criteria provided, single submitter. Criteria: Invitae Variant Classification Sherloc (09022015). Collection method: clinical testing. Allele origin: germline.

Ambry Genetics
Classification: Uncertain significance for Inborn genetic diseases. Last evaluated: 2021-08-02. Review status: criteria provided, single submitter. Criteria: Ambry Variant Classification Scheme 2023. Collection method: clinical testing. Allele origin: germline.